The following is an entry in ClinVar:

ClinVar aggregate classification (germline): Uncertain significance. Review status: criteria provided, multiple submitters, no conflicts (2 of 4 stars). 2 submissions from 2 submitters: Uncertain significance (2). Last evaluated 2025-11-02.

Conditions:
Premature chromatid separation trait (PCS). Also called: TOTAL PREMATURE CHROMATID SEPARATION TRAIT. Identifiers: MedGen C1864389, MONDO:0008304, OMIM 176430.
Colorectal cancer. Also called: Malignant Colorectal Neoplasm; Colorectal cancer, somatic. Identifiers: MedGen C0346629, MONDO:0005575, OMIM 114500.
Mosaic variegated aneuploidy syndrome 1 (MVA1). Also called: Warburton-Anyane-Yeboa syndrome. Identifiers: Orphanet 1052, MedGen C1850343, MONDO:0009759, OMIM 257300.

Allele frequency attached by ClinVar (database versions not stated): ExAC 0.00002.

Submissions (2):

Labcorp Genetics (formerly Invitae), Labcorp
Classification: Uncertain significance for Mosaic variegated aneuploidy syndrome 1. Last evaluated: 2025-11-02. Review status: criteria provided, single submitter. Criteria: Invitae Variant Classification Sherloc (09022015). Collection method: clinical testing. Allele origin: germline.
Comment: This sequence change replaces glutamine, which is neutral and polar, with leucine, which is neutral and non-polar, at codon 153 of the BUB1B protein (p.Gln153Leu). This variant is present in population databases (rs776363221, gnomAD 0.02%). This variant has not been reported in the literature in individuals affected with BUB1B-related conditions. ClinVar contains an entry for this variant (Variation ID: 1054371). An algorithm developed to predict the effect of missense changes on protein structure and function (PolyPhen-2) suggests that this variant is likely to be tolerated. Algorithms developed to predict the effect of sequence changes on RNA splicing suggest that this variant may create or strengthen a splice site. In summary, the available evidence is currently insufficient to determine the role of this variant in disease. Therefore, it has been classified as a Variant of Uncertain Significance.

Fulgent Genetics
Classification: Uncertain significance for Colorectal cancer; Premature chromatid separation trait; Mosaic variegated aneuploidy syndrome 1. Last evaluated: 2022-03-29. Review status: criteria provided, single submitter. Criteria: ACMG Guidelines, 2015. Collection method: clinical testing. Allele origin: unknown.

NM_001211.6(BUB1B):c.458A>T (p.Gln153Leu)

Gene: BUB1B (BUB1 mitotic checkpoint serine/threonine kinase B; plus strand). Cytogenetic location: 15q15.1.
Variant type: single nucleotide variant.
Coding change: c.458A>T on transcript NM_001211.6 (MANE Select); coding-DNA position 458, A replaced by T.
Protein change: p.Gln153Leu; replaces glutamine 153 with leucine.
Molecular consequence: missense variant.
Genome position (GRCh38, 1-based): chr15:40,176,550, A>T. VCF-style: chr15-40176550-A-T. GRCh37 (hg19) VCF-style: chr15-40468751-A-T.
Other names: short protein forms Q153L.
Identifiers: ClinVar variation 1054371 (VCV001054371.10), dbSNP rs776363221, ClinGen allele CA7475487.